The following is an entry in ClinVar:

NM_001040108.2(MLH3):c.4090+10del

Gene: MLH3 (mutL homolog 3; minus strand). Cytogenetic location: 14q24.3.
Variant type: Deletion.
Coding change: c.4090+10del on transcript NM_001040108.2 (MANE Select); 10 bases into the intron after coding-DNA position 4090, one base deleted (T; older notation c.4090+10delT).
Molecular consequence: intron variant.
Genome position (GRCh38, 1-based): chr14:75,022,804, A deleted on the plus strand (T on the coding strand, the reverse complement: MLH3 is on the minus strand); the first of 2 consecutive A bases (chr14:75,022,804-75,022,805); deleting either gives the same sequence. VCF-style (leftmost placement, unchanged base first): chr14-75022803-GA-G. GRCh37 (hg19) VCF-style: chr14-75489506-GA-G.
Other names: c.4018+10del (NM_014381.3).
Identifiers: ClinVar variation 1552125 (VCV001552125.9), dbSNP rs1198596878, ClinGen allele CA615051600.
Genomic context (GRCh38, chr14:75,022,803, plus strand): 5'-TGTAATCCCGGCAGCCCTGCCAGGGCTCTGCATGCAGAGGTGTTTGATCACTGCTATGTT[GA>G]AGGGCTTACCATGGCAGGCTTGGGATGCCAACACCTTCTGGACAGTCAGTGGCAATGTCC-3'

ClinVar aggregate classification (germline): Likely benign. Review status: criteria provided, multiple submitters, no conflicts (2 of 4 stars). 2 submissions from 2 submitters: Likely benign (2). Last evaluated 2026-04-28.

Conditions:
Colorectal cancer, hereditary nonpolyposis, type 7. Identifiers: Orphanet 144, MedGen C1858380, MONDO:0013725, OMIM 614385.

Submissions (2):

Myriad Genetics, Inc.
Classification: Likely benign for Colorectal cancer, hereditary nonpolyposis, type 7. Last evaluated: 2026-04-28. Review status: criteria provided, single submitter. Criteria: Myriad Autosomal Dominant, Autosomal Recessive and X-Linked Classification Criteria (2023). Collection method: clinical testing. Allele origin: unknown.
Comment: This variant is considered likely benign. This variant is intronic and is not expected to impact mRNA splicing.

Labcorp Genetics (formerly Invitae), Labcorp
Classification: Likely benign for Colorectal cancer, hereditary nonpolyposis, type 7. Last evaluated: 2021-07-07. Review status: criteria provided, single submitter. Criteria: Invitae Variant Classification Sherloc (09022015). Collection method: clinical testing. Allele origin: germline.